The following is an entry in ClinVar:

ClinVar aggregate classification (germline): Uncertain significance. Review status: criteria provided, multiple submitters, no conflicts (2 of 4 stars). 3 submissions from 3 submitters: Uncertain significance (3). Last evaluated 2025-12-03.

Conditions:
Diamond-Blackfan anemia 5 (DBA5). Also called: RPL35A-Related Diamond-Blackfan Anemia. Identifiers: Orphanet 124, MedGen C2675859, MONDO:0012925, OMIM 612528.

Allele frequency attached by ClinVar (database versions not stated): gnomAD 0.00001.
gnomAD v4.1: 5 of 1,614,008 alleles (0.00031%); highest among the groups gnomAD compares: Admixed American, 0.0083%; no homozygotes.

Submissions (3):

Labcorp Genetics (formerly Invitae), Labcorp
Classification: Uncertain significance for Diamond-Blackfan anemia 5. Last evaluated: 2025-12-03. Review status: criteria provided, single submitter. Criteria: Invitae Variant Classification Sherloc (09022015). Collection method: clinical testing. Allele origin: germline.
Comment: This sequence change replaces arginine, which is basic and polar, with glycine, which is neutral and non-polar, at codon 85 of the RPL35A protein (p.Arg85Gly). This variant is present in population databases (rs773689278, gnomAD 0.009%). This variant has not been reported in the literature in individuals affected with RPL35A-related conditions. ClinVar contains an entry for this variant (Variation ID: 1500352). An algorithm developed to predict the effect of missense changes on protein structure and function (PolyPhen-2) suggests that this variant is likely to be disruptive. In summary, the available evidence is currently insufficient to determine the role of this variant in disease. Therefore, it has been classified as a Variant of Uncertain Significance.

Fulgent Genetics
Classification: Uncertain significance for Diamond-Blackfan anemia 5. Last evaluated: 2024-03-05. Review status: criteria provided, single submitter. Criteria: ACMG Guidelines, 2015. Collection method: clinical testing. Allele origin: germline.

Revvity Omics, Revvity
Classification: Uncertain significance for Diamond-Blackfan anemia 5. Last evaluated: 2022-05-06. Review status: criteria provided, single submitter. Criteria: ACMG Guidelines, 2015. Collection method: clinical testing. Allele origin: germline.

NM_000996.4(RPL35A):c.253C>G (p.Arg85Gly)

Genes: DRC9 (dynein regulatory complex subunit 9; minus strand), RPL35A (ribosomal protein L35a; plus strand). Cytogenetic location: 3q29.
Variant type: single nucleotide variant.
Coding change: c.253C>G on transcript NM_000996.4 (MANE Select); coding-DNA position 253, C replaced by G.
Protein change: p.Arg85Gly; replaces arginine 85 with glycine.
Molecular consequence: missense variant. On other transcripts: intron variant (3).
Genome position (GRCh38, 1-based): chr3:197,954,091, C>G. VCF-style: chr3-197954091-C-G. GRCh37 (hg19) VCF-style: chr3-197680962-C-G.
Other names: c.253C>G, p.Arg85Gly (NM_001316311.2); c.-50+5438G>C (NM_001323028.2); c.-60+5438G>C (NM_032263.5); c.-375+5438G>C (NM_001323029.2); short protein forms R85G.
Identifiers: ClinVar variation 1500352 (VCV001500352.12), dbSNP rs773689278, ClinGen allele CA2789213.